The following is an entry in ClinVar:

ClinVar aggregate classification (germline): Uncertain significance (1 of 4 stars; one submission).

gnomAD v4.1: 10 of 1,493,802 alleles (0.00067%); highest among the groups gnomAD compares: Non-Finnish European, 0.00088%; no homozygotes.

Submission:

Women's Health and Genetics/Laboratory Corporation of America, LabCorp
Classification: Uncertain significance. Last evaluated: 2026-01-08. Review status: criteria provided, single submitter. Criteria: LabCorp Variant Classification Summary - May 2015. Collection method: clinical testing. Allele origin: germline.
Comment: Variant summary: TTPA c.26C>T (p.Ser9Leu) results in a non-conservative amino acid change in the encoded protein sequence. Algorithms developed to predict the effect of missense changes on protein structure and function are either unavailable or do not agree on the potential impact of this missense change. The variant was absent in 107842 control chromosomes. The available data on variant occurrences in the general population are insufficient to allow any conclusion about variant significance. To our knowledge, no occurrence of c.26C>T in individuals affected with TTPA-related conditions and no experimental evidence demonstrating its impact on protein function have been reported. No submitters have cited clinical-significance assessments for this variant to ClinVar. Based on the evidence outlined above, the variant was classified as uncertain significance.

NM_000370.3(TTPA):c.26C>T (p.Ser9Leu)

Gene: TTPA (alpha tocopherol transfer protein; minus strand). Cytogenetic location: 8q12.3.
Variant type: single nucleotide variant.
Coding change: c.26C>T on transcript NM_000370.3 (MANE Select); coding-DNA position 26, C replaced by T.
Protein change: p.Ser9Leu; replaces serine 9 with leucine.
Molecular consequence: missense variant. On other transcripts: non-coding transcript variant (3).
Genome position (GRCh38, 1-based): chr8:63,085,996, G>A on the plus strand (C>T on the coding strand, the complement: TTPA is on the minus strand). VCF-style: chr8-63085996-G-A. GRCh37 (hg19) VCF-style: chr8-63998555-G-A.
Other names: c.26C>T, p.Ser9Leu (NM_001413414.1, NM_001413415.1, NM_001413416.1 and 2 more transcripts); short protein forms S9L.
Identifiers: ClinVar variation 4689524 (VCV004689524.1).
Genomic context (GRCh38, chr8:63,085,996, plus strand): 5'-GCCAGGCCCGGCTGCAGCAACGGAGAGTGGTCCGGTAGCGCGTTGAGCTGCGGCCCCGCC[G>A]AGGGCTGGGATCGCGCCTCTGCCATGCCCGCCGCCGCTGCTGCGGCCGCAGCTACCCGGG-3'
Protein context (NP_000361.1, residues 1-19): MAEARSQP[Ser9Leu]AGPQLNALPD